The following is an entry in ClinVar:

ClinVar aggregate classification (germline): Uncertain significance (1 of 4 stars; one submission).

Conditions:
Hypertrophic cardiomyopathy. Also called: HYPERTROPHIC MYOCARDIOPATHY. Identifiers: Orphanet 217569, MedGen C0007194, MeSH D002312, MONDO:0005045, HP:0001639.

gnomAD v4.1: 1 of 1,612,896 alleles (0.000062%); highest among the groups gnomAD compares: Non-Finnish European, 0.000085%; no homozygotes.

Submission:

Labcorp Genetics (formerly Invitae), Labcorp
Classification: Uncertain significance for Hypertrophic cardiomyopathy. Last evaluated: 2024-12-24. Review status: criteria provided, single submitter. Criteria: Invitae Variant Classification Sherloc (09022015). Collection method: clinical testing. Allele origin: germline.
Comment: This sequence change replaces phenylalanine, which is neutral and non-polar, with tyrosine, which is neutral and polar, at codon 344 of the MYOM1 protein (p.Phe344Tyr). This variant is present in population databases (rs777352460, gnomAD 0.0009%). This variant has not been reported in the literature in individuals affected with MYOM1-related conditions. Invitae Evidence Modeling of protein sequence and biophysical properties (such as structural, functional, and spatial information, amino acid conservation, physicochemical variation, residue mobility, and thermodynamic stability) indicates that this missense variant is expected to disrupt MYOM1 protein function with a positive predictive value of 80%. In summary, the available evidence is currently insufficient to determine the role of this variant in disease. Therefore, it has been classified as a Variant of Uncertain Significance.

NM_003803.4(MYOM1):c.1031T>A (p.Phe344Tyr)

Gene: MYOM1 (myomesin 1; minus strand). Cytogenetic location: 18p11.31.
Variant type: single nucleotide variant.
Coding change: c.1031T>A on transcript NM_003803.4 (MANE Select); coding-DNA position 1031, T replaced by A.
Protein change: p.Phe344Tyr; replaces phenylalanine 344 with tyrosine.
Molecular consequence: missense variant.
Genome position (GRCh38, 1-based): chr18:3,174,200, A>T on the plus strand (T>A on the coding strand, the complement: MYOM1 is on the minus strand). VCF-style: chr18-3174200-A-T. GRCh37 (hg19) VCF-style: chr18-3174198-A-T.
Other names: c.1031T>A, p.Phe344Tyr (NM_019856.2); short protein forms F344Y.
Identifiers: ClinVar variation 3667045 (VCV003667045.2).